The following is an entry in ClinVar:

NM_000365.6(TPI1):c.376G>T (p.Ala126Ser)

Gene: TPI1 (triosephosphate isomerase 1; plus strand). Cytogenetic location: 12p13.31.
Variant type: single nucleotide variant.
Coding change: c.376G>T on transcript NM_000365.6 (MANE Select); coding-DNA position 376, G replaced by T.
Protein change: p.Ala126Ser; replaces alanine 126 with serine.
Molecular consequence: missense variant.
Genome position (GRCh38, 1-based): chr12:6,869,309, G>T. VCF-style: chr12-6869309-G-T. GRCh37 (hg19) VCF-style: chr12-6978473-G-T.
Other names: c.487G>T, p.Ala163Ser (NM_001159287.1); c.130G>T, p.Ala44Ser (NM_001258026.2); short protein forms A44S, A126S, A163S.
Identifiers: ClinVar variation 1388563 (VCV001388563.8), dbSNP rs374074904, ClinGen allele CA6418922.

ClinVar aggregate classification (germline): Uncertain significance (1 of 4 stars; one submission).

Submission:

Labcorp Genetics (formerly Invitae), Labcorp
Classification: Uncertain significance. Last evaluated: 2025-12-01. Review status: criteria provided, single submitter. Criteria: Invitae Variant Classification Sherloc (09022015). Collection method: clinical testing. Allele origin: germline.
Comment: This sequence change replaces alanine, which is neutral and non-polar, with serine, which is neutral and polar, at codon 126 of the TPI1 protein (p.Ala126Ser). This variant is present in population databases (rs374074904, gnomAD 0.0009%). This variant has not been reported in the literature in individuals affected with TPI1-related conditions. ClinVar contains an entry for this variant (Variation ID: 1388563). Invitae Evidence Modeling of protein sequence and biophysical properties (such as structural, functional, and spatial information, amino acid conservation, physicochemical variation, residue mobility, and thermodynamic stability) indicates that this missense variant is not expected to disrupt TPI1 protein function with a negative predictive value of 80%. In summary, the available evidence is currently insufficient to determine the role of this variant in disease. Therefore, it has been classified as a Variant of Uncertain Significance.